The following is an entry in ClinVar:

NM_001142800.2(EYS):c.8815T>C (p.Cys2939Arg)

Genes: EYS (EGF-like photoreceptor maintenance factor; minus strand), PHF3 (PHD finger protein 3; plus strand). Cytogenetic location: 6q12.
Variant type: single nucleotide variant.
Coding change: c.8815T>C on transcript NM_001142800.2 (MANE Select); coding-DNA position 8815, T replaced by C.
Protein change: p.Cys2939Arg; replaces cysteine 2939 with arginine.
Molecular consequence: missense variant. On other transcripts: 3 prime UTR variant (5).
Genome position (GRCh38, 1-based): chr6:63,721,216, A>G on the plus strand (T>C on the coding strand, the complement: EYS is on the minus strand). VCF-style: chr6-63721216-A-G. GRCh37 (hg19) VCF-style: chr6-64431112-A-G.
Other names: c.*7508A>G (NM_001290259.2, NM_001370348.2, NM_001370349.2 and 2 more transcripts); c.8878T>C, p.Cys2960Arg (NM_001292009.2); short protein forms C2939R, C2960R.
Identifiers: ClinVar variation 1065683 (VCV001065683.2), dbSNP rs2149624604, ClinGen allele CA364383913.

ClinVar aggregate classification (germline): Uncertain significance. Review status: criteria provided, multiple submitters, no conflicts (2 of 4 stars). 2 submissions from 2 submitters: Uncertain significance (2). Last evaluated 2021-04-08.

Conditions:
Retinitis pigmentosa 25 (RP25). Identifiers: Orphanet 791, MedGen C1864446, MONDO:0011272, OMIM 602772.

Submissions (2):

Ocular Genomics Institute, Massachusetts Eye and Ear
Classification: Uncertain significance for Retinitis pigmentosa 25. Last evaluated: 2021-04-08. Review status: criteria provided, single submitter. Criteria: ACMG Guidelines, 2015. Collection method: research. Allele origin: germline. Affected: yes.
Comment: Through a review of available evidence we were able to apply the following criteria: PM2, PM3-P. Based on this evidence we have classified this variant as Variant of Uncertain Significance.

Blueprint Genetics
Classification: Uncertain significance. Last evaluated: 2018-06-06. Review status: criteria provided, single submitter. Criteria: ACMG Guidelines, 2015. Collection method: clinical testing. Allele origin: germline.